The following is an entry in ClinVar:

NM_001348323.3(TRIP12):c.4409C>T (p.Thr1470Ile)

Gene: TRIP12 (thyroid hormone receptor interactor 12; minus strand). Cytogenetic location: 2q36.3.
Variant type: single nucleotide variant.
Coding change: c.4409C>T on transcript NM_001348323.3 (MANE Select); coding-DNA position 4409, C replaced by T.
Protein change: p.Thr1470Ile; replaces threonine 1470 with isoleucine.
Molecular consequence: missense variant.
Genome position (GRCh38, 1-based): chr2:229,791,872, G>A on the plus strand (C>T on the coding strand, the complement: TRIP12 is on the minus strand). VCF-style: chr2-229791872-G-A. GRCh37 (hg19) VCF-style: chr2-230656588-G-A.
Other names: c.4328C>T, p.Thr1443Ile (NM_001284214.2, NM_001348315.2); c.4283C>T, p.Thr1428Ile (NM_001284215.2, NM_001348316.2); c.3374C>T, p.Thr1125Ile (NM_001284216.2); c.4268C>T, p.Thr1423Ile (NM_001348317.1, NM_001348318.2); c.4394C>T, p.Thr1465Ile (NM_001348319.1, NM_001348320.2); c.4397C>T, p.Thr1466Ile (NM_001348321.1); c.4409C>T, p.Thr1470Ile (NM_001348322.1, NM_001348324.2, NM_001348325.2 and 2 more transcripts); c.4412C>T, p.Thr1471Ile (NM_001348328.1, NM_001348329.2, NM_001348330.2); and 4 more; short protein forms T1125I, T1395I, T1396I, T1423I, T1428I, T1436I, T1443I, T1444I.
Identifiers: ClinVar variation 4538945 (VCV004538945.1).
Genomic context (GRCh38, chr2:229,791,872, plus strand): 5'-CAAGAACAGTTTCAAAGTTTATGAAAAAACAAAAGAAAGAATTTTCAGACTTGCCATATT[G>A]TATGAGTCTTTGTCCAAATACCAGCTCTGCCTAGAGGATTGCTCTCATCATCTGTGGATT-3'
Protein context (NP_001335252.1, residues 1460-1480): GRAGIWTKTH[Thr1470Ile]IWYKPVREDE

ClinVar aggregate classification (germline): Uncertain significance (1 of 4 stars; one submission).

gnomAD v4.1: 1 of 1,613,614 alleles (0.000062%); highest among the groups gnomAD compares: South Asian, 0.0011%; no homozygotes.

Submission:

GeneDx
Classification: Uncertain significance. Last evaluated: 2025-06-20. Review status: criteria provided, single submitter. Criteria: GeneDx Variant Classification Process June 2021. Collection method: clinical testing. Allele origin: germline. Affected: yes.
Comment: Has not been previously published as pathogenic or benign to our knowledge; In silico analysis supports that this missense variant has a deleterious effect on protein structure/function